The following is an entry in ClinVar:

ClinVar aggregate classification (germline): Uncertain significance (1 of 4 stars; one submission).

Conditions:
Bifunctional peroxisomal enzyme deficiency (DBIF). Also called: D-bifunctional protein deficiency; DBP DEFICIENCY; PBFE DEFICIENCY. Identifiers: Orphanet 300, MedGen C0342870, MONDO:0009855, OMIM 261515. Disease mechanism: loss of function.

Submission:

Institute of Human Genetics, University of Leipzig Medical Center
Classification: Uncertain significance for Bifunctional peroxisomal enzyme deficiency. Last evaluated: 2023-05-03. Review status: criteria provided, single submitter. Criteria: ACMG Guidelines, 2015. Collection method: clinical testing. Allele origin: maternal. Inheritance: Autosomal recessive inheritance. Affected: yes.
Comment: Identified as compund heterozygous with NM_000414.4:c.46G>A. Criteria applied: PM3,PM2_SUP,PP3

NM_000414.4(HSD17B4):c.53G>T (p.Gly18Val)

Genes: HSD17B4 (hydroxysteroid 17-beta dehydrogenase 4; plus strand), LOC129994460 (ATAC-STARR-seq lymphoblastoid active region 22989; plus strand). Cytogenetic location: 5q23.1.
Variant type: single nucleotide variant.
Coding change: c.53G>T on transcript NM_000414.4 (MANE Select); coding-DNA position 53, G replaced by T.
Protein change: p.Gly18Val; replaces glycine 18 with valine.
Molecular consequence: missense variant. On other transcripts: 5 prime UTR variant (8), non-coding transcript variant (2).
Genome position (GRCh38, 1-based): chr5:119,452,628, G>T. VCF-style: chr5-119452628-G-T. GRCh37 (hg19) VCF-style: chr5-118788323-G-T.
Other names: c.-126G>T (NM_001199291.3); c.53G>T, p.Gly18Val (NM_001199292.2, NM_001374497.1, NM_001374498.1); c.-85G>T (NM_001292027.2); c.-547G>T (NM_001292028.2, NM_001374501.1); c.-481G>T (NM_001374499.1); c.-674G>T (NM_001374500.1); c.-552G>T (NM_001374502.1); c.-617G>T (NM_001374503.1); short protein forms G18V.
Identifiers: ClinVar variation 2576607 (VCV002576607.2), dbSNP rs2531472210, ClinGen allele CA360861745.